The following is an entry in ClinVar:

NM_020921.4(NIN):c.1409G>A (p.Arg470Gln)

Gene: NIN (ninein; minus strand). Cytogenetic location: 14q22.1.
Variant type: single nucleotide variant.
Coding change: c.1409G>A on transcript NM_020921.4 (MANE Select); coding-DNA position 1409, G replaced by A.
Protein change: p.Arg470Gln; replaces arginine 470 with glutamine.
Molecular consequence: missense variant.
Genome position (GRCh38, 1-based): chr14:50,770,413, C>T on the plus strand (G>A on the coding strand, the complement: NIN is on the minus strand). VCF-style: chr14-50770413-C-T. GRCh37 (hg19) VCF-style: chr14-51237131-C-T.
Other names: c.1409G>A, p.Arg470Gln (NM_016350.5, NM_182944.3, NM_182946.2); short protein forms R470Q.
Identifiers: ClinVar variation 3016110 (VCV003016110.3), dbSNP rs769057633, ClinGen allele CA7182215.
Genomic context (GRCh38, chr14:50,770,413, plus strand): 5'-AGGGACGCAGACCACAGAACTAATAAGATGATTACCTTTAAAGAGAGGGCAAGGCGGTCC[C>T]GGATATAGTTCTCTTCTGTTTTTGCCTTTTCAATTTCCTGTTCAAGTTCTAAACGCTGCT-3'
Protein context (NP_065972.4, residues 460-480): EKAKTEENYI[Arg470Gln]DRLALSLKEN

ClinVar aggregate classification (germline): Uncertain significance (1 of 4 stars; one submission).

Allele frequency attached by ClinVar (database versions not stated): gnomAD 0.00001; TOPMed 0.00001; ExAC 0.00002; gnomAD exomes 0.00002.
gnomAD v4.1: 27 of 1,614,056 alleles (0.0017%); highest among the groups gnomAD compares: Admixed American, 0.0067%; no homozygotes.

Submission:

Labcorp Genetics (formerly Invitae), Labcorp
Classification: Uncertain significance. Last evaluated: 2023-02-01. Review status: criteria provided, single submitter. Criteria: Invitae Variant Classification Sherloc (09022015). Collection method: clinical testing. Allele origin: germline.
Comment: In summary, the available evidence is currently insufficient to determine the role of this variant in disease. Therefore, it has been classified as a Variant of Uncertain Significance. Algorithms developed to predict the effect of missense changes on protein structure and function are either unavailable or do not agree on the potential impact of this missense change (SIFT: "Deleterious"; PolyPhen-2: "Probably Damaging"; Align-GVGD: "Class C0"). This variant has not been reported in the literature in individuals affected with NIN-related conditions. This variant is present in population databases (rs769057633, gnomAD 0.009%). This sequence change replaces arginine, which is basic and polar, with glutamine, which is neutral and polar, at codon 470 of the NIN protein (p.Arg470Gln).